The following is an entry in ClinVar:

NM_005732.4(RAD50):c.3065T>C (p.Leu1022Pro)

Gene: RAD50 (RAD50 double strand break repair protein; plus strand). Cytogenetic location: 5q31.1.
Variant type: single nucleotide variant.
Coding change: c.3065T>C on transcript NM_005732.4 (MANE Select); coding-DNA position 3065, T replaced by C.
Protein change: p.Leu1022Pro; replaces leucine 1022 with proline.
Molecular consequence: missense variant.
Genome position (GRCh38, 1-based): chr5:132,616,031, T>C. VCF-style: chr5-132616031-T-C. GRCh37 (hg19) VCF-style: chr5-131951723-T-C.
Other names: short protein forms L1022P.
Identifiers: ClinVar variation 4677879 (VCV004677879.1).

ClinVar aggregate classification (germline): Uncertain significance (1 of 4 stars; one submission).

Conditions:
Hereditary cancer-predisposing syndrome. Also called: Neoplastic Syndromes, Hereditary; Tumor predisposition; Hereditary Cancer Syndrome; Hereditary neoplastic syndrome. Identifiers: Orphanet 140162, MedGen C0027672, MeSH D009386, MONDO:0015356.

Submission:

Ambry Genetics
Classification: Uncertain significance for Hereditary cancer-predisposing syndrome. Last evaluated: 2025-10-02. Review status: criteria provided, single submitter. Criteria: Ambry Variant Classification Scheme 2023. Collection method: clinical testing. Allele origin: germline.
Comment: The p.L1022P variant (also known as c.3065T>C), located in coding exon 20 of the RAD50 gene, results from a T to C substitution at nucleotide position 3065. The leucine at codon 1022 is replaced by proline, an amino acid with similar properties. This amino acid position is conserved. In addition, this alteration is predicted to be deleterious by in silico analysis. Based on the available evidence, the clinical significance of this variant remains unclear.